The following is an entry in ClinVar:

NM_001142800.2(EYS):c.9278del (p.Gly3093fs)

Genes: EYS (EGF-like photoreceptor maintenance factor; minus strand), PHF3 (PHD finger protein 3; plus strand). Cytogenetic location: 6q12.
Variant type: Deletion.
Coding change: c.9278del on transcript NM_001142800.2 (MANE Select); coding-DNA position 9278, one base deleted (G; older notation c.9278delG).
Protein change: p.Gly3093fs; shifts the reading frame from glycine 3093.
Molecular consequence: frameshift variant. On other transcripts: 3 prime UTR variant (5).
Genome position (GRCh38, 1-based): chr6:63,720,753, C deleted on the plus strand (G on the coding strand, the reverse complement: EYS is on the minus strand); the first of 2 consecutive C bases (chr6:63,720,753-63,720,754); deleting either gives the same sequence. VCF-style (leftmost placement, unchanged base first): chr6-63720752-AC-A. GRCh37 (hg19) VCF-style: chr6-64430648-AC-A.
Other names: c.*7046del (NM_001290259.2, NM_001370348.2, NM_001370349.2 and 2 more transcripts); c.9341del, p.Gly3114fs (NM_001292009.2); c.9278delG (NM_001142800.1); short protein forms G3093fs, G3114fs.
Identifiers: ClinVar variation 3241494 (VCV003241494.2), dbSNP rs869312188.

ClinVar aggregate classification (germline): Likely pathogenic. Review status: criteria provided, multiple submitters, no conflicts (2 of 4 stars). 2 submissions from 2 submitters: Likely pathogenic (2). Last evaluated 2024-03-29.

Conditions:
Retinitis pigmentosa 25 (RP25). Identifiers: Orphanet 791, MedGen C1864446, MONDO:0011272, OMIM 602772.

Submissions (2):

Natera, Inc.
Classification: Likely pathogenic for Retinitis pigmentosa type 25. Last evaluated: 2024-03-29. Review status: criteria provided, single submitter. Criteria: Natera Variant Classification Schema (03/2026). Collection method: clinical testing. Allele origin: germline.
Comment: The c.9278delG variant in EYS is a frameshift variant predicted to shift the reading frame beginning at codon 3093 and leads to a stop codon 4 codons downstream. This variant is expected to result in nonsense mediated decay, truncation, or a dysfunctional protein product. This variant is rare in the general population with a frequency below the threshold expected for the associated phenotype(s). Given the available evidence, this variant is classified as Likely Pathogenic.

Baylor Genetics
Classification: Likely pathogenic for Retinitis pigmentosa 25. Last evaluated: 2024-02-23. Review status: criteria provided, single submitter. Criteria: ACMG Guidelines, 2015. Collection method: clinical testing. Allele origin: unknown.